The following is an entry in ClinVar:

ClinVar aggregate classification (germline): Conflicting classifications of pathogenicity. Review status: criteria provided, conflicting classifications (1 of 4 stars). 4 submissions from 4 submitters: Uncertain significance (3); Likely benign (1). Last evaluated 2025-12-21.

Conditions:
Hereditary cancer-predisposing syndrome. Also called: Tumor predisposition; Hereditary neoplastic syndrome; Hereditary Cancer Syndrome; Neoplastic Syndromes, Hereditary. Identifiers: Orphanet 140162, MedGen C0027672, MeSH D009386, MONDO:0015356.
Hereditary breast ovarian cancer syndrome. Also called: Hereditary breast and ovarian cancer; Breast and ovarian cancer; BRCA1- and BRCA2-Associated Hereditary Breast and Ovarian Cancer; Hereditary breast and ovarian cancer syndrome (HBOC); Hereditary breast and/or ovarian cancer syndrome; Hereditary breast and ovarian cancer syndrome. Identifiers: Orphanet 145, MedGen C0677776, MeSH D061325, MONDO:0003582. Disease mechanism: loss of function.

Allele frequency attached by ClinVar (database versions not stated): gnomAD exomes below 0.00001.

Submissions (4):

Ambry Genetics
Classification: Uncertain significance for Hereditary cancer-predisposing syndrome. Last evaluated: 2025-12-21. Review status: criteria provided, single submitter. Criteria: Ambry Variant Classification Scheme 2023. Collection method: clinical testing. Allele origin: germline.
Comment: The p.H334Y variant (also known as c.1000C>T), located in coding exon 9 of the BRCA2 gene, results from a C to T substitution at nucleotide position 1000. The histidine at codon 334 is replaced by tyrosine, an amino acid with similar properties. This alteration was not observed in 7,051 unselected female breast cancer patients and was observed with an allele frequency of 0.00009 in 11,241 female controls of Japanese ancestry (Momozawa Y et al. Nat Commun, 2018 10;9:4083). This amino acid position is poorly conserved in available vertebrate species. In addition, this alteration is predicted to be tolerated by in silico analysis. Since supporting evidence is limited at this time, the clinical significance of this alteration remains unclear.

University of Washington Department of Laboratory Medicine, University of Washington
Classification: Likely benign for Hereditary cancer-predisposing syndrome. Last evaluated: 2023-03-23. Review status: criteria provided, single submitter. Criteria: Dines et al. (Genet Med. 2020). Collection method: curation. Allele origin: germline.
Comment: Missense variant in a coldspot region where missense variants are very unlikely to be pathogenic (PMID:31911673).

BRCA2 exon 10 coldspot. Reclassification based on statistical prior probability.

Labcorp Genetics (formerly Invitae), Labcorp
Classification: Uncertain significance for Hereditary breast ovarian cancer syndrome. Last evaluated: 2021-11-29. Review status: criteria provided, single submitter. Criteria: Invitae Variant Classification Sherloc (09022015). Collection method: clinical testing. Allele origin: germline.
Comment: This sequence change replaces histidine, which is basic and polar, with tyrosine, which is neutral and polar, at codon 334 of the BRCA2 protein (p.His334Tyr). This variant is not present in population databases (gnomAD no frequency). This variant has not been reported in the literature in individuals affected with BRCA2-related conditions. ClinVar contains an entry for this variant (Variation ID: 921842). Advanced modeling of protein sequence and biophysical properties (such as structural, functional, and spatial information, amino acid conservation, physicochemical variation, residue mobility, and thermodynamic stability) performed at Invitae indicates that this missense variant is not expected to disrupt BRCA2 protein function. In summary, the available evidence is currently insufficient to determine the role of this variant in disease. Therefore, it has been classified as a Variant of Uncertain Significance.

Color Diagnostics, LLC DBA Color Health
Classification: Uncertain significance for Hereditary cancer-predisposing syndrome. Last evaluated: 2019-11-18. Review status: criteria provided, single submitter. Criteria: ACMG Guidelines, 2015. Collection method: clinical testing. Allele origin: germline.
Comment: This missense variant replaces histidine with tyrosine at codon 334 of the BRCA2 protein. Computational prediction suggests that this variant may not impact protein structure and function (internally defined REVEL score threshold <= 0.5, PMID: 27666373). Splice site prediction tools suggest that this variant may not impact RNA splicing. To our knowledge, functional studies have not been performed for this variant. This variant has not been reported in individuals affected with hereditary cancer in the literature. This variant has not been identified in the general population by the Genome Aggregation Database (gnomAD). The available evidence is insufficient to determine the role of this variant in disease conclusively. Therefore, this variant is classified as a Variant of Uncertain Significance.

Literature cited by the submitters: PubMed 30287823 (cited by Ambry Genetics).

NM_000059.4(BRCA2):c.1000C>T (p.His334Tyr)

Gene: BRCA2 (BRCA2 DNA repair associated; plus strand). Cytogenetic location: 13q13.1.
Variant type: single nucleotide variant.
Coding change: c.1000C>T on transcript NM_000059.4 (MANE Select); coding-DNA position 1000, C replaced by T.
Protein change: p.His334Tyr; replaces histidine 334 with tyrosine.
Molecular consequence: missense variant.
Genome position (GRCh38, 1-based): chr13:32,332,478, C>T. VCF-style: chr13-32332478-C-T. GRCh37 (hg19) VCF-style: chr13-32906615-C-T.
Other names: short protein forms H334Y.
Identifiers: ClinVar variation 921842 (VCV000921842.13), dbSNP rs1593891725, ClinGen allele CA387761048.
Genomic context (GRCh38, chr13:32,332,478, plus strand): 5'-AAATGTAGAACAAAAAATCTACAAAAAGTAAGAACTAGCAAGACTAGGAAAAAAATTTTC[C>T]ATGAAGCAAACGCTGATGAATGTGAAAAATCTAAAAACCAAGTGAAAGAAAAATACTCAT-3'
Protein context (NP_000050.3, residues 324-344): RTSKTRKKIF[His334Tyr]EANADECEKS